The following is an entry in ClinVar:

ClinVar aggregate classification (germline): Likely benign (0 of 4 stars; one submission).

Conditions:
SCN9A-related disorder. Also called: SCN9A-related disorders; SCN9A-related condition.

gnomAD v4.1: 5 of 1,613,396 alleles (0.00031%); highest among the groups gnomAD compares: Non-Finnish European, 0.00042%; no homozygotes.

Submission:

PreventionGenetics, part of Exact Sciences
Classification: Likely benign for SCN9A-related condition. Last evaluated: 2021-04-28. Review status: no assertion criteria provided. Collection method: clinical testing. Allele origin: germline.
Comment: This variant is classified as likely benign based on ACMG/AMP sequence variant interpretation guidelines (Richards et al. 2015 PMID: 25741868, with internal and published modifications).

NM_001365536.1(SCN9A):c.3180T>C (p.Ser1060=)

Genes: SCN1A-AS1 (SCN1A and SCN9A antisense RNA 1; plus strand), SCN9A (sodium voltage-gated channel alpha subunit 9; minus strand). Cytogenetic location: 2q24.3.
Variant type: single nucleotide variant.
Coding change: c.3180T>C on transcript NM_001365536.1 (MANE Select); coding-DNA position 3180, T replaced by C.
Protein change: p.Ser1060=; no amino-acid change (serine 1060 retained).
Molecular consequence: synonymous variant.
Genome position (GRCh38, 1-based): chr2:166,272,570, A>G on the plus strand (T>C on the coding strand, the complement: SCN9A is on the minus strand). VCF-style: chr2-166272570-A-G. GRCh37 (hg19) VCF-style: chr2-167129080-A-G.
Other names: c.3147T>C, p.Ser1049= (NM_002977.4).
Identifiers: ClinVar variation 3061499 (VCV003061499.2), dbSNP rs199697334, ClinGen allele CA59791277.